The following is an entry in ClinVar:

NM_001001957.2(OR2W3):c.839T>G (p.Ile280Ser)

Gene: OR2W3 (olfactory receptor family 2 subfamily W member 3; plus strand). Cytogenetic location: 1q44.
Variant type: single nucleotide variant.
Coding change: c.839T>G on transcript NM_001001957.2 (MANE Select); coding-DNA position 839, T replaced by G.
Protein change: p.Ile280Ser; replaces isoleucine 280 with serine.
Molecular consequence: missense variant.
Genome position (GRCh38, 1-based): chr1:247,896,425, T>G. VCF-style: chr1-247896425-T-G. GRCh37 (hg19) VCF-style: chr1-248059727-T-G.
Other names: short protein forms I280S.
Identifiers: ClinVar variation 1506188 (VCV001506188.6), dbSNP rs1297348599, ClinGen allele CA345596664.

ClinVar aggregate classification (germline): Uncertain significance (1 of 4 stars; one submission).

Submission:

Labcorp Genetics (formerly Invitae), Labcorp
Classification: Uncertain significance. Last evaluated: 2022-09-07. Review status: criteria provided, single submitter. Criteria: Invitae Variant Classification Sherloc (09022015). Collection method: clinical testing. Allele origin: germline.
Comment: This sequence change replaces isoleucine, which is neutral and non-polar, with serine, which is neutral and polar, at codon 280 of the OR2W3 protein (p.Ile280Ser). This variant is not present in population databases (gnomAD no frequency). This variant has not been reported in the literature in individuals affected with OR2W3-related conditions. ClinVar contains an entry for this variant (Variation ID: 1506188). Algorithms developed to predict the effect of missense changes on protein structure and function are either unavailable or do not agree on the potential impact of this missense change (SIFT: "Deleterious"; PolyPhen-2: "Benign"; Align-GVGD: "Class C65"). In summary, the available evidence is currently insufficient to determine the role of this variant in disease. Therefore, it has been classified as a Variant of Uncertain Significance.